The following is an entry in ClinVar:

ClinVar aggregate classification (germline): Likely pathogenic. Review status: criteria provided, single submitter (1 of 4 stars). 2 submissions from 2 submitters: Likely pathogenic (1). 1 of the submissions does not count toward it. Last evaluated 2020-11-09.

Conditions:
CFTR-related disorder (CFTR-RD). Also called: CFTR-related disorders; CFTR-related condition. Identifiers: MedGen C5924204, MONDO:7770004.
Cystic fibrosis (CF). Also called: MUCOVISCIDOSIS. Identifiers: Orphanet 586, MedGen C0010674, MONDO:0009061, OMIM 219700. Disease mechanism: loss of function.

Submissions (2):

Women's Health and Genetics/Laboratory Corporation of America, LabCorp
Classification: Likely pathogenic for Cystic fibrosis. Last evaluated: 2020-11-09. Review status: criteria provided, single submitter. Criteria: LabCorp Variant Classification Summary - May 2015. Collection method: clinical testing. Allele origin: germline.
Comment: Variant summary: CFTR c.2455G>T (p.Glu819X) results in a premature termination codon, predicted to cause a truncation of the encoded protein or absence of the protein due to nonsense mediated decay, which are commonly known mechanisms for disease. Truncations downstream of this position have been classified as pathogenic by our laboratory. The variant was absent in 187438 control chromosomes. c.2455G>T has been reported in the literature in an affected case from at-least one family undergoing PGD testing for Cystic Fibrosis (example, Zeevi_2018, Zeevi_2019). To our knowledge, no experimental evidence demonstrating an impact on protein function has been reported. No clinical diagnostic laboratories have submitted clinical-significance assessments for this variant to ClinVar after 2014. Based on the evidence outlined above, the variant was classified as likely pathogenic.

Natera, Inc.
Classification: Likely pathogenic for CFTR-related disorders. Last evaluated: 2021-02-15. Review status: no assertion criteria provided. Collection method: clinical testing. Allele origin: germline. Not counted in ClinVar's aggregate classification.

Literature cited by the submitters: PubMed 30617673 (cited by Women's Health and Genetics/Laboratory Corporation of America, LabCorp); PubMed 30374031 (cited by Women's Health and Genetics/Laboratory Corporation of America, LabCorp).

NM_000492.4(CFTR):c.2455G>T (p.Glu819Ter)

Gene: CFTR (CF transmembrane conductance regulator; plus strand). Cytogenetic location: 7q31.2.
Variant type: single nucleotide variant.
Coding change: c.2455G>T on transcript NM_000492.4 (MANE Select); coding-DNA position 2455, G replaced by T.
Protein change: p.Glu819Ter; replaces glutamic acid 819 with a stop codon.
Molecular consequence: nonsense.
Genome position (GRCh38, 1-based): chr7:117,592,622, G>T. VCF-style: chr7-117592622-G-T. GRCh37 (hg19) VCF-style: chr7-117232676-G-T.
Other names: short protein forms E819*.
Identifiers: ClinVar variation 987847 (VCV000987847.2), dbSNP rs1792051187, ClinGen allele CA368981425.
Genomic context (GRCh38, chr7:117,592,622, plus strand): 5'-CAGGCAAACTTGACTGAACTGGATATATATTCAAGAAGGTTATCTCAAGAAACTGGCTTG[G>T]AAATAAGTGAAGAAATTAACGAAGAAGACTTAAAGGTAGGTATACATCGCTTGGGGGTAT-3'